The following is an entry in ClinVar:

NM_007294.4(BRCA1):c.203T>G (p.Ile68Arg)

Gene: BRCA1 (BRCA1 DNA repair associated; minus strand). Cytogenetic location: 17q21.31.
Variant type: single nucleotide variant.
Coding change: c.203T>G on transcript NM_007294.4 (MANE Select); coding-DNA position 203, T replaced by G.
Protein change: p.Ile68Arg; replaces isoleucine 68 with arginine.
Molecular consequence: missense variant.
Genome position (GRCh38, 1-based): chr17:43,106,465, A>C on the plus strand (T>G on the coding strand, the complement: BRCA1 is on the minus strand). VCF-style: chr17-43106465-A-C. GRCh37 (hg19) VCF-style: chr17-41258482-A-C.
Other names: c.203T>G, p.Ile68Arg (NM_001408402.1, NM_001408403.1, NM_001408404.1 and 168 more transcripts); c.62T>G, p.Ile21Arg (NM_001408410.1, NM_001408452.1, NM_001408453.1 and 99 more transcripts); short protein forms I68R, I21R.
Identifiers: ClinVar variation 54445 (VCV000054445.20), dbSNP rs80357116, ClinGen allele CA001357.

ClinVar aggregate classification (germline): Conflicting classifications of pathogenicity. Review status: criteria provided, conflicting classifications (1 of 4 stars). 4 submissions from 4 submitters: Likely pathogenic (1); Uncertain significance (2). 1 of the submissions does not count toward it. Last evaluated 2023-07-11.

Conditions:
Hereditary breast ovarian cancer syndrome. Also called: Hereditary breast and ovarian cancer syndrome (HBOC); Hereditary breast and ovarian cancer syndrome; Hereditary breast and ovarian cancer; Hereditary breast and/or ovarian cancer syndrome; Breast and ovarian cancer; BRCA1- and BRCA2-Associated Hereditary Breast and Ovarian Cancer. Identifiers: Orphanet 145, MedGen C0677776, MeSH D061325, MONDO:0003582. Disease mechanism: loss of function.
Breast-ovarian cancer, familial, susceptibility to, 1 (BROVCA1). Also called: OVARIAN CANCER, SUSCEPTIBILITY TO; BRCA1 Hereditary Breast and Ovarian Cancer. Identifiers: Orphanet 145, MedGen C2676676, MONDO:0011450, OMIM 604370. Disease mechanism: loss of function.

Submissions (5):

Women's Health and Genetics/Laboratory Corporation of America, LabCorp
Classification: Likely pathogenic for Hereditary breast ovarian cancer syndrome. Last evaluated: 2023-07-11. Review status: criteria provided, single submitter. Criteria: LabCorp Variant Classification Summary - May 2015. Collection method: clinical testing. Allele origin: germline.
Comment: Variant summary: BRCA1 c.203T>G (p.Ile68Arg) results in a non-conservative amino acid change in the encoded protein sequence. Five of five in-silico tools predict a damaging effect of the variant on protein function. The variant was absent in 250382 control chromosomes. c.203T>G has been reported in the literature in individuals affected with Hereditary Breast And Ovarian Cancer Syndrome. These report(s) do not provide unequivocal conclusions about association of the variant with Hereditary Breast And Ovarian Cancer Syndrome. At least one functional study reports experimental evidence evaluating an impact on protein function and showed a damaging effect of this variant on homology directed repair (HDR) activity (e.g. Findlay_2018). HDR assays qualify as a recognized gold standard on the basis of updated guidance provided by the ClinGen Sequence Variant Interpretation (SVI) working group. The following publications have been ascertained in the context of this evaluation (PMID: 30209399, 26727311, 30219179, 25823446). Two submitters have cited clinical-significance assessments for this variant to ClinVar after 2014. All submitters classified the variant as uncertain significance. Based on the evidence outlined above, the variant was classified as likely pathogenic.

Mayo Clinic Laboratories, Mayo Clinic
Classification: Uncertain significance. Last evaluated: 2020-03-30. Review status: criteria provided, single submitter. Criteria: ACMG Guidelines, 2015. Collection method: clinical testing. Allele origin: germline. Observed: 1 variant allele.

Labcorp Genetics (formerly Invitae), Labcorp
Classification: Uncertain significance for Hereditary breast ovarian cancer syndrome. Last evaluated: 2018-09-26. Review status: criteria provided, single submitter. Criteria: Invitae Variant Classification Sherloc (09022015). Collection method: clinical testing. Allele origin: germline.
Comment: This variant has been reported in an individual in the Breast Cancer Information Core database (PMID: 10923033). ClinVar contains an entry for this variant (Variation ID: 54445). Experimental studies have shown that this missense change impacts the function of the BRCA1 protein as measured by its E3 ligase activity in vitro (PMID: 25823446), In summary, the available evidence is currently insufficient to determine the role of this variant in disease. Therefore, it has been classified as a Variant of Uncertain Significance. This variant is not present in population databases (ExAC no frequency). This sequence change replaces isoleucine with arginine at codon 68 of the BRCA1 protein (p.Ile68Arg). The isoleucine residue is highly conserved and there is a moderate physicochemical difference between isoleucine and arginine.

Breast Cancer Information Core (BIC) (BRCA1)
Classification: Uncertain significance for Breast-ovarian cancer, familial 1. Last evaluated: 2004-11-25. Review status: no assertion criteria provided. Collection method: clinical testing. Allele origin: germline. Affected: yes. Observed: 1 variant allele. Not counted in ClinVar's aggregate classification.

Brotman Baty Institute, University of Washington
No classification provided (evidence only). Condition: Breast-ovarian cancer, familial 1. Review status: no classification provided. Collection method: in vitro. Allele origin: not applicable. Functional consequence: functionally_abnormal. Not counted in ClinVar's aggregate classification.
ClinVar note: "not provided" was previously submitted as the classification for the variant. However, the classification appeared to be based only on an observation of functional data so it was converted to no classification on 2025-07-30.

Literature cited by the submitters: PubMed 26727311 (cited by Women's Health and Genetics/Laboratory Corporation of America, LabCorp); PubMed 25823446 (cited by Women's Health and Genetics/Laboratory Corporation of America, LabCorp and Labcorp Genetics (formerly Invitae), Labcorp); PubMed 30209399 (cited by Women's Health and Genetics/Laboratory Corporation of America, LabCorp); PubMed 30219179 (cited by Women's Health and Genetics/Laboratory Corporation of America, LabCorp); PubMed 10923033 (cited by Labcorp Genetics (formerly Invitae), Labcorp).